The following is an entry in ClinVar:

ClinVar aggregate classification (germline): Uncertain significance (1 of 4 stars; one submission).

gnomAD v4.1: 3 of 1,612,204 alleles (0.00019%); highest among the groups gnomAD compares: Admixed American, 0.0017%; no homozygotes.

Submission:

Dasa
Classification: Uncertain significance. Last evaluated: 2025-02-20. Review status: criteria provided, single submitter. Criteria: DASA Assertion Criteria. Collection method: clinical testing. Allele origin: germline.
Comment: NM_000698.5(ALOX5):c.1591A>C (p.Lys531Gln) is a missense variant that results in the substitution of lysine with glutamine. This variant is rare in population databases. Computational prediction algorithms are consistent with a benign effect. The currently available literature and clinical evidence are not sufficient to establish a definitive association between this variant and the reported condition. Therefore, this variant is classified as a variant of uncertain significance.

NM_000698.5(ALOX5):c.1591A>C (p.Lys531Gln)

Gene: ALOX5 (arachidonate 5-lipoxygenase; plus strand). Cytogenetic location: 10q11.21.
Variant type: single nucleotide variant.
Coding change: c.1591A>C on transcript NM_000698.5 (MANE Select); coding-DNA position 1591, A replaced by C.
Protein change: p.Lys531Gln; replaces lysine 531 with glutamine.
Molecular consequence: missense variant.
Genome position (GRCh38, 1-based): chr10:45,443,745, A>C. VCF-style: chr10-45443745-A-C. GRCh37 (hg19) VCF-style: chr10-45939193-A-C.
Other names: c.1495A>C, p.Lys499Gln (NM_001256153.3); c.1591A>C, p.Lys531Gln (NM_001256154.3); c.1504A>C, p.Lys502Gln (NM_001320861.2); c.1156A>C, p.Lys386Gln (NM_001320862.2); short protein forms K386Q, K499Q, K502Q, K531Q.
Identifiers: ClinVar variation 4882511 (VCV004882511.2).